The following is an entry in ClinVar:

ClinVar aggregate classification (germline): Pathogenic (1 of 4 stars; one submission).

Conditions:
Primary ciliary dyskinesia. Also called: Ciliary dyskinesia. Identifiers: Orphanet 244, MedGen C0008780, MONDO:0016575, HP:0012265.

Allele frequency attached by ClinVar (database versions not stated): TOPMed below 0.00001; gnomAD 0.00001.

Submission:

Ambry Genetics
Classification: Pathogenic for Primary ciliary dyskinesia. Last evaluated: 2016-10-11. Review status: criteria provided, single submitter. Criteria: Ambry Variant Classification Scheme 2023. Collection method: clinical testing. Allele origin: germline.
Comment: The c.334delC pathogenic mutation, located in coding exon 2 of the ARMC4 gene, results from a deletion of one nucleotide at nucleotide position 334, causing a translational frameshift with a predicted alternate stop codon (p.I113Lfs*7). This alteration is expected to result in loss of function by premature protein truncation or nonsense-mediated mRNA decay. As such, this alteration is interpreted as a disease-causing mutation.

NM_018076.5(ODAD2):c.334del (p.Ile113fs)

Gene: ODAD2 (outer dynein arm docking complex subunit 2; minus strand). Cytogenetic location: 10p12.1.
Variant type: Deletion.
Coding change: c.334del on transcript NM_018076.5 (MANE Select); coding-DNA position 334, one base deleted (C; older notation c.334delC).
Protein change: p.Ile113fs; shifts the reading frame from isoleucine 113.
Molecular consequence: frameshift variant.
Genome position (GRCh38, 1-based): chr10:27,987,434, G deleted on the plus strand (C on the coding strand, the reverse complement: ODAD2 is on the minus strand). VCF-style (leftmost placement, unchanged base first): chr10-27987433-AG-A. GRCh37 (hg19) VCF-style: chr10-28276362-AG-A.
Other names: c.334del, p.Ile113fs (NM_001290020.2); short protein forms I113fs.
Identifiers: ClinVar variation 1799679 (VCV001799679.2), dbSNP rs1175750984, ClinGen allele CA663450629.